The following is an entry in ClinVar:

NM_178857.6(RP1L1):c.749A>G (p.Asn250Ser)

Gene: RP1L1 (RP1 like 1). Cytogenetic location: 8p23.1.
Variant type: single nucleotide variant.
Coding change: c.749A>G on transcript NM_178857.6 (MANE Select); coding-DNA position 749, A replaced by G.
Protein change: p.Asn250Ser; replaces asparagine 250 with serine.
Molecular consequence: missense variant.
Genome position (GRCh38, 1-based): chr8:10,616,448, T>C on the plus strand (A>G on the coding strand, the complement: RP1L1 is on the minus strand). VCF-style: chr8-10616448-T-C. GRCh37 (hg19) VCF-style: chr8-10473958-T-C.
Other names: c.749A>G (NM_178857.5); short protein forms N250S.
Identifiers: ClinVar variation 1362651 (VCV001362651.9), dbSNP rs572651975, ClinGen allele CA4625490.
Genomic context (GRCh38, chr8:10,616,448, plus strand): 5'-CCCTACTGAACCACCATGCAGTGCAAATCAGATGGGGGAAACCCAAAAACCAACTCACCG[T>C]TTTTGTTTCTTGAAGTCAGCCCAGATAAAGTTTCAGCCTCGCTTCTCCTGGCATTTTTCA-3'
Protein context (NP_849188.4, residues 240-260): TLSGLTSRNK[Asn250Ser]GSWGPKTKPS

ClinVar aggregate classification (germline): Uncertain significance. Review status: criteria provided, multiple submitters, no conflicts (2 of 4 stars). 2 submissions from 2 submitters: Uncertain significance (2). Last evaluated 2024-12-18.

Conditions:
Inborn genetic diseases. Identifiers: MedGen C0950123, MeSH D030342.

Allele frequency attached by ClinVar (database versions not stated): gnomAD exomes 0.00001 and 0.00003; ExAC 0.00003; TOPMed 0.00008; gnomAD 0.00010 and 0.00011; 1000 Genomes Project 0.00020; 1000 Genomes Project 30x 0.00031.
gnomAD v4.1: 25 of 1,614,184 alleles (0.0015%); highest among the groups gnomAD compares: African/African-American, 0.019%; no homozygotes.

Submissions (2):

Labcorp Genetics (formerly Invitae), Labcorp
Classification: Uncertain significance. Last evaluated: 2024-12-18. Review status: criteria provided, single submitter. Criteria: Invitae Variant Classification Sherloc (09022015). Collection method: clinical testing. Allele origin: germline.
Comment: This sequence change replaces asparagine, which is neutral and polar, with serine, which is neutral and polar, at codon 250 of the RP1L1 protein (p.Asn250Ser). This variant is present in population databases (rs572651975, gnomAD 0.03%). This variant has not been reported in the literature in individuals affected with RP1L1-related conditions. ClinVar contains an entry for this variant (Variation ID: 1362651). An algorithm developed to predict the effect of missense changes on protein structure and function outputs the following: PolyPhen-2: "Benign". The serine amino acid residue is found in multiple mammalian species, which suggests that this missense change does not adversely affect protein function. In summary, the available evidence is currently insufficient to determine the role of this variant in disease. Therefore, it has been classified as a Variant of Uncertain Significance.

Ambry Genetics
Classification: Uncertain significance for Inborn genetic diseases. Last evaluated: 2023-12-13. Review status: criteria provided, single submitter. Criteria: Ambry Variant Classification Scheme 2023. Collection method: clinical testing. Allele origin: germline.